The following is an entry in ClinVar:

NM_152783.5(D2HGDH):c.1257C>T (p.Arg419=)

Gene: D2HGDH (D-2-hydroxyglutarate dehydrogenase; plus strand). Cytogenetic location: 2q37.3.
Variant type: single nucleotide variant.
Coding change: c.1257C>T on transcript NM_152783.5 (MANE Select); coding-DNA position 1257, C replaced by T.
Protein change: p.Arg419=; no amino-acid change (arginine 419 retained).
Molecular consequence: synonymous variant. On other transcripts: non-coding transcript variant (1).
Genome position (GRCh38, 1-based): chr2:241,755,965, C>T. VCF-style: chr2-241755965-C-T. GRCh37 (hg19) VCF-style: chr2-242695380-C-T.
Other names: c.855C>T, p.Arg285= (NM_001287249.2); c.696C>T, p.Arg232= (NM_001352824.2); c.1257C>T (NM_152783.4).
Identifiers: ClinVar variation 897257 (VCV000897257.7), dbSNP rs368133306, ClinGen allele CA2222139.

ClinVar aggregate classification (germline): Conflicting classifications of pathogenicity. Review status: criteria provided, conflicting classifications (1 of 4 stars). 3 submissions from 3 submitters: Uncertain significance (1); Likely benign (1). 1 of the submissions does not count toward it. Last evaluated 2023-02-13.

Conditions:
D2HGDH-related disorder. Also called: D2HGDH-related condition.
D-2-hydroxyglutaric aciduria 1 (D2HGA1). Identifiers: Orphanet 79315, MedGen C3152055, MONDO:0024554, OMIM 600721.

Allele frequency attached by ClinVar (database versions not stated): gnomAD exomes 0.00001 and 0.00002; TOPMed 0.00001; ExAC 0.00002; ESP Exome Variant Server 0.00008.

Submissions (3):

Blueprint Genetics
Classification: Likely benign. Last evaluated: 2023-02-13. Review status: criteria provided, single submitter. Criteria: ACMG Guidelines, 2015. Collection method: clinical testing. Allele origin: germline.

Illumina Laboratory Services, Illumina
Classification: Uncertain significance for D-2-hydroxyglutaric aciduria 1. Last evaluated: 2017-04-27. Review status: criteria provided, single submitter. Criteria: ICSL Variant Classification Criteria 13 December 2019. Collection method: clinical testing. Allele origin: germline.
Comment: This variant was observed as part of a predisposition screen in an ostensibly healthy population. A literature search was performed for the gene, cDNA change, and amino acid change (where applicable). Publications were found based on this search. However, the evidence from the literature, in combination with allele frequency data from public databases where available, was not sufficient to rule this variant in or out of causing disease. Therefore, this variant is classified as a variant of unknown significance.

PreventionGenetics, part of Exact Sciences
Classification: Likely benign for D2HGDH-related condition. Last evaluated: 2024-02-28. Review status: no assertion criteria provided. Collection method: clinical testing. Allele origin: germline. Not counted in ClinVar's aggregate classification.
Comment: This variant is classified as likely benign based on ACMG/AMP sequence variant interpretation guidelines (Richards et al. 2015 PMID: 25741868, with internal and published modifications).

Literature cited by the submitters: PubMed 26178471 (cited by Illumina Laboratory Services, Illumina).